The following is an entry in ClinVar:

ClinVar aggregate classification (germline): Uncertain significance. Review status: criteria provided, multiple submitters, no conflicts (2 of 4 stars). 2 submissions from 2 submitters: Uncertain significance (2). Last evaluated 2026-02-28.

Conditions:
Cardiovascular phenotype. Identifiers: MedGen CN230736.
RASopathy. Also called: rasopathies; Noonan spectrum disorder. Identifiers: Orphanet 536391, MedGen C5555857, MONDO:0021060.

gnomAD v4.1: 7 of 1,614,196 alleles (0.00043%); highest among the groups gnomAD compares: Non-Finnish European, 0.00059%; no homozygotes.

Submissions (2):

Ambry Genetics
Classification: Uncertain significance for Cardiovascular phenotype. Last evaluated: 2026-02-28. Review status: criteria provided, single submitter. Criteria: Ambry Variant Classification Scheme 2023. Collection method: clinical testing. Allele origin: germline.
Comment: The p.E348G variant (also known as c.1043A>G), located in coding exon 9 of the PTPN11 gene, results from an A to G substitution at nucleotide position 1043. The glutamic acid at codon 348 is replaced by glycine, an amino acid with similar properties. This amino acid position is conserved. In addition, this alteration is predicted to be deleterious by in silico analysis. Based on the available evidence, the clinical significance of this variant remains unclear.

Labcorp Genetics (formerly Invitae), Labcorp
Classification: Uncertain significance for RASopathy. Last evaluated: 2025-02-12. Review status: criteria provided, single submitter. Criteria: Invitae Variant Classification Sherloc (09022015). Collection method: clinical testing. Allele origin: germline.
Comment: This sequence change replaces glutamic acid, which is acidic and polar, with glycine, which is neutral and non-polar, at codon 348 of the PTPN11 protein (p.Glu348Gly). This variant is not present in population databases (gnomAD no frequency). This variant has not been reported in the literature in individuals affected with PTPN11-related conditions. Invitae Evidence Modeling of protein sequence and biophysical properties (such as structural, functional, and spatial information, amino acid conservation, physicochemical variation, residue mobility, and thermodynamic stability) indicates that this missense variant is expected to disrupt PTPN11 protein function with a positive predictive value of 95%. In summary, the available evidence is currently insufficient to determine the role of this variant in disease. Therefore, it has been classified as a Variant of Uncertain Significance.

NM_002834.5(PTPN11):c.1043A>G (p.Glu348Gly)

Gene: PTPN11 (protein tyrosine phosphatase non-receptor type 11; plus strand). Cytogenetic location: 12q24.13.
Variant type: single nucleotide variant.
Coding change: c.1043A>G on transcript NM_002834.5 (MANE Select); coding-DNA position 1043, A replaced by G.
Protein change: p.Glu348Gly; replaces glutamic acid 348 with glycine.
Molecular consequence: missense variant.
Genome position (GRCh38, 1-based): chr12:112,477,966, A>G. VCF-style: chr12-112477966-A-G. GRCh37 (hg19) VCF-style: chr12-112915770-A-G.
Other names: c.1043A>G, p.Glu348Gly (NM_001330437.2, NM_080601.3); c.1040A>G, p.Glu347Gly (NM_001374625.1); short protein forms E347G, E348G.
Identifiers: ClinVar variation 4803091 (VCV004803091.2).